The following is an entry in ClinVar:

NM_005188.4(CBL):c.*5632C>T

Gene: CBL (Cbl proto-oncogene; plus strand). Cytogenetic location: 11q23.3.
Variant type: single nucleotide variant.
Coding change: c.*5632C>T on transcript NM_005188.4 (MANE Select); 5632 bases downstream of the stop codon, C replaced by T.
Molecular consequence: 3 prime UTR variant.
Genome position (GRCh38, 1-based): chr11:119,305,413, C>T. VCF-style: chr11-119305413-C-T. GRCh37 (hg19) VCF-style: chr11-119176123-C-T.
Identifiers: ClinVar variation 302866 (VCV000302866.33), dbSNP rs143069410, ClinGen allele CA10637940.

ClinVar aggregate classification (germline): Benign/Likely benign. Review status: criteria provided, multiple submitters, no conflicts (2 of 4 stars). 2 submissions from 2 submitters: Benign (1); Likely benign (1). Last evaluated 2023-04-01.

Conditions:
CBL-related disorder. Also called: NOONAN SYNDROME-LIKE DISORDER WITHOUT JUVENILE MYELOMONOCYTIC LEUKEMIA; CBL MUTATION-ASSOCIATED SYNDROME; CBL SYNDROME. Identifiers: Orphanet 363972, MedGen C3150803, MONDO:0013308, OMIM 613563.

Allele frequency attached by ClinVar (database versions not stated): 1000 Genomes Project 0.00200; 1000 Genomes Project 30x 0.00219; gnomAD 0.00384 and 0.00388; TOPMed 0.00396; gnomAD exomes 0.00655.
gnomAD v4.1: 1,105 of 230,418 alleles (0.48%); highest among the groups gnomAD compares: Middle Eastern, 1.4%; 6 homozygotes.

Submissions (2):

CeGaT Center for Human Genetics Tuebingen
Classification: Likely benign. Last evaluated: 2023-04-01. Review status: criteria provided, single submitter. Criteria: CeGaT Center For Human Genetics Tuebingen Variant Classification Criteria Version 2. Collection method: clinical testing. Allele origin: germline. Affected: yes. Observed: 12 variant alleles.
Comment: CBL: BS1

Illumina Laboratory Services, Illumina
Classification: Benign for CBL-related disorder. Last evaluated: 2018-01-12. Review status: criteria provided, single submitter. Criteria: ICSL Variant Classification Criteria 13 December 2019. Collection method: clinical testing. Allele origin: germline.
Comment: This variant was observed in the ICSL laboratory as part of a predisposition screen in an ostensibly healthy population. It had not been previously curated by ICSL or reported in the Human Gene Mutation Database (HGMD: prior to June 1st, 2018), and was therefore a candidate for classification through an automated scoring system. Utilizing variant allele frequency, disease prevalence and penetrance estimates, and inheritance mode, an automated score was calculated to assess if this variant is too frequent to cause the disease. Based on the score and internal cut-off values, a variant classified as benign is not then subjected to further curation. The score for this variant resulted in a classification of benign for this disease.